The following is an entry in ClinVar:

NM_005733.3(KIF20A):c.1186G>A (p.Asp396Asn)

Gene: KIF20A (kinesin family member 20A; plus strand). Cytogenetic location: 5q31.2.
Variant type: single nucleotide variant.
Coding change: c.1186G>A on transcript NM_005733.3 (MANE Select); coding-DNA position 1186, G replaced by A.
Protein change: p.Asp396Asn; replaces aspartic acid 396 with asparagine.
Molecular consequence: missense variant.
Genome position (GRCh38, 1-based): chr5:138,183,734, G>A. VCF-style: chr5-138183734-G-A. GRCh37 (hg19) VCF-style: chr5-137519423-G-A.
Other names: short protein forms D396N.
Identifiers: ClinVar variation 1406545 (VCV001406545.6), dbSNP rs371570693, ClinGen allele CA3426531.

ClinVar aggregate classification (germline): Uncertain significance (1 of 4 stars; one submission).

Allele frequency attached by ClinVar (database versions not stated): gnomAD exomes below 0.00001 and 0.00002; TOPMed 0.00001; ExAC 0.00003; gnomAD 0.00003; ESP Exome Variant Server 0.00008.
gnomAD v4.1: 10 of 1,613,574 alleles (0.00062%); highest among the groups gnomAD compares: African/African-American, 0.0013%; no homozygotes.

Submission:

Labcorp Genetics (formerly Invitae), Labcorp
Classification: Uncertain significance. Last evaluated: 2023-12-19. Review status: criteria provided, single submitter. Criteria: Invitae Variant Classification Sherloc (09022015). Collection method: clinical testing. Allele origin: germline.
Comment: This sequence change replaces aspartic acid, which is acidic and polar, with asparagine, which is neutral and polar, at codon 396 of the KIF20A protein (p.Asp396Asn). This variant is present in population databases (rs371570693, gnomAD 0.008%). This variant has not been reported in the literature in individuals affected with KIF20A-related conditions. ClinVar contains an entry for this variant (Variation ID: 1406545). Algorithms developed to predict the effect of missense changes on protein structure and function output the following: SIFT: "Not Available"; PolyPhen-2: "Benign"; Align-GVGD: "Not Available". The asparagine amino acid residue is found in multiple mammalian species, which suggests that this missense change does not adversely affect protein function. In summary, the available evidence is currently insufficient to determine the role of this variant in disease. Therefore, it has been classified as a Variant of Uncertain Significance.